The following is an entry in ClinVar:

NM_015999.6(ADIPOR1):c.752T>C (p.Ile251Thr)

Gene: ADIPOR1 (adiponectin receptor 1; minus strand). Cytogenetic location: 1q32.1.
Variant type: single nucleotide variant.
Coding change: c.752T>C on transcript NM_015999.6 (MANE Select); coding-DNA position 752, T replaced by C.
Protein change: p.Ile251Thr; replaces isoleucine 251 with threonine.
Molecular consequence: missense variant.
Genome position (GRCh38, 1-based): chr1:202,943,811, A>G on the plus strand (T>C on the coding strand, the complement: ADIPOR1 is on the minus strand). VCF-style: chr1-202943811-A-G. GRCh37 (hg19) VCF-style: chr1-202912939-A-G.
Other names: c.752T>C, p.Ile251Thr (NM_001290553.2, NM_001290557.1, NM_001290629.1); short protein forms I251T.
Identifiers: ClinVar variation 940784 (VCV000940784.10), dbSNP rs369530077, ClinGen allele CA1335908.

ClinVar aggregate classification (germline): Uncertain significance (1 of 4 stars; one submission).

Allele frequency attached by ClinVar (database versions not stated): gnomAD 0.00001; gnomAD exomes 0.00002; 1000 Genomes Project 30x 0.00016; 1000 Genomes Project 0.00020.
gnomAD v4.1: 9 of 1,614,138 alleles (0.00056%); highest among the groups gnomAD compares: African/African-American, 0.0027%; no homozygotes.

Submission:

Labcorp Genetics (formerly Invitae), Labcorp
Classification: Uncertain significance. Last evaluated: 2019-08-24. Review status: criteria provided, single submitter. Criteria: Invitae Variant Classification Sherloc (09022015). Collection method: clinical testing. Allele origin: germline.
Comment: This sequence change replaces isoleucine with threonine at codon 251 of the ADIPOR1 protein (p.Ile251Thr). The isoleucine residue is moderately conserved and there is a moderate physicochemical difference between isoleucine and threonine. This variant is present in population databases (rs369530077, ExAC 0.01%). This variant has not been reported in the literature in individuals with ADIPOR1-related conditions. Algorithms developed to predict the effect of missense changes on protein structure and function are either unavailable or do not agree on the potential impact of this missense change (SIFT: "Deleterious"; PolyPhen-2: "Benign"; Align-GVGD: "Class C25"). In summary, the available evidence is currently insufficient to determine the role of this variant in disease. Therefore, it has been classified as a Variant of Uncertain Significance.